The following is an entry in ClinVar:

ClinVar aggregate classification (germline): Uncertain significance (1 of 4 stars; one submission).

Allele frequency attached by ClinVar (database versions not stated): gnomAD exomes below 0.00001.

Submission:

Labcorp Genetics (formerly Invitae), Labcorp
Classification: Uncertain significance. Last evaluated: 2025-09-02. Review status: criteria provided, single submitter. Criteria: Invitae Variant Classification Sherloc (09022015). Collection method: clinical testing. Allele origin: germline.
Comment: This sequence change affects the initiator codon of the WHRN mRNA. This change may impact translation initiation or efficiency. The next in-frame methionine is located at codon 93 . This variant is not present in population databases (gnomAD no frequency). This variant has not been reported in the literature in individuals affected with WHRN-related conditions. ClinVar contains an entry for this variant (Variation ID: 2092836). Experimental studies and prediction algorithms are not available or were not evaluated, and the functional significance of this variant is currently unknown. In summary, the available evidence is currently insufficient to determine the role of this variant in disease. Therefore, it has been classified as a Variant of Uncertain Significance.

NM_015404.4(WHRN):c.3G>C (p.Met1Ile)

Gene: WHRN (whirlin; minus strand). Cytogenetic location: 9q32.
Variant type: single nucleotide variant.
Coding change: c.3G>C on transcript NM_015404.4 (MANE Select); coding-DNA position 3, G replaced by C.
Protein change: p.Met1Ile; changes the start codon (methionine 1).
Molecular consequence: missense variant, initiator codon variant.
Genome position (GRCh38, 1-based): chr9:114,504,799, C>G on the plus strand (G>C on the coding strand, the complement: WHRN is on the minus strand). VCF-style: chr9-114504799-C-G. GRCh37 (hg19) VCF-style: chr9-117267079-C-G.
Other names: c.3G>C, p.Met1Ile (NM_001173425.2); short protein forms M1I.
Identifiers: ClinVar variation 2092836 (VCV002092836.5), dbSNP rs2133485628, ClinGen allele CA374614993.